The following is an entry in ClinVar:

NM_015335.5(MED13L):c.1186del (p.Met396fs)

Gene: MED13L (mediator complex subunit 13L; minus strand). Cytogenetic location: 12q24.21.
Variant type: Deletion.
Coding change: c.1186del on transcript NM_015335.5 (MANE Select); coding-DNA position 1186, one base deleted (A; older notation c.1186delA).
Protein change: p.Met396fs; shifts the reading frame from methionine 396.
Molecular consequence: frameshift variant.
Genome position (GRCh38, 1-based): chr12:116,012,891, T deleted on the plus strand (A on the coding strand, the reverse complement: MED13L is on the minus strand); the first of 3 consecutive T bases (chr12:116,012,891-116,012,893); deleting any one gives the same sequence. VCF-style (leftmost placement, unchanged base first): chr12-116012890-AT-A. GRCh37 (hg19) VCF-style: chr12-116450695-AT-A.
Other names: c.1186delA (NM_015335.4); short protein forms M396fs.
Identifiers: ClinVar variation 419645 (VCV000419645.2), dbSNP rs1064794013, ClinGen allele CA16619446.

ClinVar aggregate classification (germline): Pathogenic (1 of 4 stars; one submission).

Submission:

GeneDx
Classification: Pathogenic. Last evaluated: 2015-08-16. Review status: criteria provided, single submitter. Criteria: GeneDx Variant Classification (06012015). Collection method: clinical testing. Allele origin: germline. Affected: yes.
Comment: The c.1186delA deletion in the MED13L gene has not been reported previously as a pathogenic variant nor as a benign polymorphism, to our knowledge. The c.1186delA deletion causes a frameshift starting with codon Methionine 396, changes this amino acid to a Cysteine residue, and creates a premature Stop codon at position 36 of the new reading frame, denoted p.Met396CysfsX36. This variant is predicted to cause loss of normal protein function either through protein truncation or nonsense-mediated mRNA decay. The c.1186delA deletion was not observed in approximately 6500 individuals of European and African American ancestry in the NHLBI Exome Sequencing Project, indicating it is not a common benign variant in these populations. We interpret c.1186delA as a pathogenic variant.